The following is an entry in ClinVar:

ClinVar aggregate classification (germline): Conflicting classifications of pathogenicity. Review status: criteria provided, conflicting classifications (1 of 4 stars). 2 submissions from 2 submitters: Pathogenic (1); Uncertain significance (1). Last evaluated 2026-01-25.

Conditions:
Insulin-dependent diabetes mellitus secretory diarrhea syndrome (IPEX). Also called: IMMUNODEFICIENCY, POLYENDOCRINOPATHY, AND ENTEROPATHY, X-LINKED; Immunodysregulation, polyendocrinopathy, and enteropathy, X-linked; Immune dysregulation-polyendocrinopathy-enteropathy-X-linked syndrome; Immunodeficiency, Polyendocrinopathy, and Enteropathy X-Linked Syndrome; X-Linked Syndrome of Polyendocrinopathy, Immune Dysfunction, and Diarrhea; DIABETES MELLITUS, CONGENITAL INSULIN-DEPENDENT, WITH FATAL SECRETORY DIARRHEA. Identifiers: Orphanet 37042, MedGen C0342288, MONDO:0010580, OMIM 304790. Disease mechanism: loss of function.

Submissions (2):

Labcorp Genetics (formerly Invitae), Labcorp
Classification: Uncertain significance for Insulin-dependent diabetes mellitus secretory diarrhea syndrome. Last evaluated: 2026-01-25. Review status: criteria provided, single submitter. Criteria: Invitae Variant Classification Sherloc (09022015). Collection method: clinical testing. Allele origin: germline.
Comment: This variant occurs in a non-coding region of the FOXP3 gene. It does not change the encoded amino acid sequence of the FOXP3 protein. It affects a nucleotide within the consensus splice site. The frequency data for this variant in the population databases is considered unreliable, as metrics indicate insufficient coverage at this position in the gnomAD database. This variant has been observed in individuals with clinical features of Immunodysregulation, polyendocrinopathy, and enteropathy syndrome (PMID: 21802372, 31019026; internal data). ClinVar contains an entry for this variant (Variation ID: 691990). Variants that disrupt the consensus splice site are a relatively common cause of aberrant splicing (PMID: 17576681, 9536098). In summary, the available evidence is currently insufficient to determine the role of this variant in disease. Therefore, it has been classified as a Variant of Uncertain Significance.

Rady Children's Institute for Genomic Medicine, Rady Children's Hospital San Diego
Classification: Pathogenic for IMMUNODYSREGULATION, POLYENDOCRINOPATHY, AND ENTEROPATHY, X-LINKED. Last evaluated: 2017-02-27. Review status: criteria provided, single submitter. Criteria: ACMG Guidelines, 2015. Collection method: clinical testing. Allele origin: germline. Affected: yes. Observed: 1 variant allele.
Comment: The c.-23+1G>T is a canonical splice variant located between the untranslated exon 1 and intron 1 in the FOXP3 gene. It is predicted to result in aberrant splicing. This canonical splice site variant has been previously reported as pathogenic (PMID: 21802372) and a different variant at the same site (c.-23+1G>A) has also been reported as pathogenic (PMID: 25911531). Variants at this site result in the predicted disruption of the splice site at the exon 1/intron 1 junction. This deletion was not found in the 1000 Genomes, Exome Variant Server (EVS) or ExAC databases and is thus presumed to be rare. Based on the combined evidence, this variant is classified as pathogenic.

Literature cited by the submitters: PubMed 21802372 (cited by Labcorp Genetics (formerly Invitae), Labcorp); PubMed 31019026 (cited by Labcorp Genetics (formerly Invitae), Labcorp); PubMed 17576681 (cited by Labcorp Genetics (formerly Invitae), Labcorp); PubMed 9536098 (cited by Labcorp Genetics (formerly Invitae), Labcorp).

NM_014009.4(FOXP3):c.-23+1G>T

Gene: FOXP3 (forkhead box P3; minus strand). Cytogenetic location: Xp11.23.
Variant type: single nucleotide variant.
Coding change: c.-23+1G>T on transcript NM_014009.4 (MANE Select); the canonical splice donor site of the intron after 23 bases upstream of the start codon, G replaced by T.
Molecular consequence: splice donor variant.
Genome position (GRCh38, 1-based): chrX:49,264,660, C>A on the plus strand (G>T on the coding strand, the complement: FOXP3 is on the minus strand). VCF-style: chrX-49264660-C-A. GRCh37 (hg19) VCF-style: chrX-49121122-C-A.
Other names: c.-23+1G>T (NM_001114377.2).
Identifiers: ClinVar variation 691990 (VCV000691990.2), dbSNP rs1602693008, ClinGen allele CA915951097.